The following is an entry in ClinVar:

NM_001243133.2(NLRP3):c.288T>C (p.Asn96=)

Gene: NLRP3 (NLR family pyrin domain containing 3; plus strand). Cytogenetic location: 1q44.
Variant type: single nucleotide variant.
Coding change: c.288T>C on transcript NM_001243133.2 (MANE Select); coding-DNA position 288, T replaced by C.
Protein change: p.Asn96=; no amino-acid change (asparagine 96 retained).
Molecular consequence: synonymous variant.
Genome position (GRCh38, 1-based): chr1:247,423,240, T>C. VCF-style: chr1-247423240-T-C. GRCh37 (hg19) VCF-style: chr1-247586542-T-C.
Other names: c.288T>C, p.Asn96= (NM_001079821.3, NM_001127461.3, NM_001127462.3 and 1 more transcripts); c.294T>C, p.Asn98= (NM_004895.5).
Identifiers: ClinVar variation 4981929 (VCV004981929.1).

ClinVar aggregate classification (germline): Likely benign (1 of 4 stars; one submission).

Conditions:
NLRP3-related disorder. Also called: NLRP3-related condition; NLRP3-Related Disorders.

Submission:

PreventionGenetics, part of Exact Sciences
Classification: Likely benign for NLRP3-related condition. Last evaluated: 2025-10-10. Review status: criteria provided, single submitter. Criteria: ACMG Guidelines, 2015. Collection method: clinical testing. Allele origin: germline.
Comment: This variant is classified as likely benign based on ACMG/AMP sequence variant interpretation guidelines (Richards et al. 2015 PMID: 25741868, with internal and published modifications).